The following is an entry in ClinVar:

ClinVar aggregate classification (germline): Uncertain significance. Review status: criteria provided, multiple submitters, no conflicts (2 of 4 stars). 3 submissions from 3 submitters: Uncertain significance (3). Last evaluated 2025-07-17.

Conditions:
Cardiovascular phenotype. Identifiers: MedGen CN230736.
Distal myopathy with posterior leg and anterior hand involvement. Also called: WILLIAMS DISTAL MYOPATHY. Identifiers: Orphanet 63273, MedGen C3279722, MONDO:0013550, OMIM 614065.
Myofibrillar myopathy 5. Also called: Filaminopathy (type); FILAMINOPATHY, AUTOSOMAL DOMINANT. Identifiers: Orphanet 171445, MedGen C1836050, MONDO:0012289, OMIM 609524.
Hypertrophic cardiomyopathy 26. Also called: Cardiomyopathy, familial hypertrophic, 26. Identifiers: Orphanet 75249, MedGen C4310749, MONDO:0014883, OMIM 617047.

Allele frequency attached by ClinVar (database versions not stated): gnomAD exomes below 0.00001; ExAC 0.00001.
gnomAD v4.1: 8 of 1,614,040 alleles (0.0005%); highest among the groups gnomAD compares: Non-Finnish European, 0.00051%; no homozygotes.

Submissions (3):

Labcorp Genetics (formerly Invitae), Labcorp
Classification: Uncertain significance for Distal myopathy with posterior leg and anterior hand involvement; Myofibrillar myopathy 5; Hypertrophic cardiomyopathy 26. Last evaluated: 2025-07-17. Review status: criteria provided, single submitter. Criteria: Invitae Variant Classification Sherloc (09022015). Collection method: clinical testing. Allele origin: germline.
Comment: This sequence change replaces arginine, which is basic and polar, with glutamine, which is neutral and polar, at codon 482 of the FLNC protein (p.Arg482Gln). This variant is present in population databases (rs770337434, gnomAD 0.0009%). This variant has not been reported in the literature in individuals affected with FLNC-related conditions. ClinVar contains an entry for this variant (Variation ID: 471976). Invitae Evidence Modeling of protein sequence and biophysical properties (such as structural, functional, and spatial information, amino acid conservation, physicochemical variation, residue mobility, and thermodynamic stability) has been performed for this missense variant. However, the output from this modeling did not meet the statistical confidence thresholds required to predict the impact of this variant on FLNC protein function. In summary, the available evidence is currently insufficient to determine the role of this variant in disease. Therefore, it has been classified as a Variant of Uncertain Significance.

GeneDx
Classification: Uncertain significance. Last evaluated: 2025-02-25. Review status: criteria provided, single submitter. Criteria: GeneDx Variant Classification Process June 2021. Collection method: clinical testing. Allele origin: germline. Affected: yes.
Comment: De novo variant with confirmed parentage in a patient in published literature from a cohort of individuals with developmental disorders; however, detailed clinical information was not provided (PMID: 33057194); Not observed at significant frequency in large population cohorts (gnomAD); In silico analysis supports that this missense variant has a deleterious effect on protein structure/function; This variant is associated with the following publications: (PMID: 35982159, 33057194)

Ambry Genetics
Classification: Uncertain significance for Cardiovascular phenotype. Last evaluated: 2021-10-26. Review status: criteria provided, single submitter. Criteria: Ambry Variant Classification Scheme 2023. Collection method: clinical testing. Allele origin: germline.

NM_001458.5(FLNC):c.1445G>A (p.Arg482Gln)

Gene: FLNC (filamin C; plus strand). Cytogenetic location: 7q32.1.
Variant type: single nucleotide variant.
Coding change: c.1445G>A on transcript NM_001458.5 (MANE Select); coding-DNA position 1445, G replaced by A.
Protein change: p.Arg482Gln; replaces arginine 482 with glutamine.
Molecular consequence: missense variant.
Genome position (GRCh38, 1-based): chr7:128,840,056, G>A. VCF-style: chr7-128840056-G-A. GRCh37 (hg19) VCF-style: chr7-128480110-G-A.
Other names: c.1445G>A, p.Arg482Gln (NM_001127487.2); short protein forms R482Q.
Identifiers: ClinVar variation 471976 (VCV000471976.11), dbSNP rs770337434, ClinGen allele CA4474350.
Genomic context (GRCh38, chr7:128,840,056, plus strand): 5'-CCAACCTCCTTTCTCTTCCTCCCCTAGCCTGTAACCCCAACGCCTGCCGCGCCTCTGGGC[G>A]AGGCCTGCAGCCCAAGGGTGTTCGCGTGAAAGAGGTGGCTGACTTCAAGGTGTTTACCAA-3'
Protein context (NP_001449.3, residues 472-492): CNPNACRASG[Arg482Gln]GLQPKGVRVK